The following is an entry in ClinVar:

NM_001122681.2(SH3BP2):c.1310C>T (p.Ala437Val)

Gene: SH3BP2 (SH3 domain binding protein 2; plus strand). Cytogenetic location: 4p16.3.
Variant type: single nucleotide variant.
Coding change: c.1310C>T on transcript NM_001122681.2 (MANE Select); coding-DNA position 1310, C replaced by T.
Protein change: p.Ala437Val; replaces alanine 437 with valine.
Molecular consequence: missense variant.
Genome position (GRCh38, 1-based): chr4:2,831,639, C>T. VCF-style: chr4-2831639-C-T. GRCh37 (hg19) VCF-style: chr4-2833366-C-T.
Other names: c.1394C>T, p.Ala465Val (NM_001145855.2); c.1481C>T, p.Ala494Val (NM_001145856.2); c.1310C>T, p.Ala437Val (NM_003023.4); short protein forms A494V, A437V, A465V.
Identifiers: ClinVar variation 2919142 (VCV002919142.3), dbSNP rs1724990757, ClinGen allele CA356057839.

ClinVar aggregate classification (germline): Uncertain significance (1 of 4 stars; one submission).

Conditions:
Fibrous dysplasia of jaw (CRBM). Also called: Cherubism. Identifiers: Orphanet 184, MedGen C0008029, MONDO:0007315, OMIM 118400.

Submission:

Labcorp Genetics (formerly Invitae), Labcorp
Classification: Uncertain significance for Fibrous dysplasia of jaw. Last evaluated: 2023-07-14. Review status: criteria provided, single submitter. Criteria: Invitae Variant Classification Sherloc (09022015). Collection method: clinical testing. Allele origin: germline.
Comment: This sequence change replaces alanine, which is neutral and non-polar, with valine, which is neutral and non-polar, at codon 437 of the SH3BP2 protein (p.Ala437Val). This variant is not present in population databases (gnomAD no frequency). This variant has not been reported in the literature in individuals affected with SH3BP2-related conditions. Advanced modeling of protein sequence and biophysical properties (such as structural, functional, and spatial information, amino acid conservation, physicochemical variation, residue mobility, and thermodynamic stability) performed at Invitae indicates that this missense variant is not expected to disrupt SH3BP2 protein function. In summary, the available evidence is currently insufficient to determine the role of this variant in disease. Therefore, it has been classified as a Variant of Uncertain Significance.